The following is an entry in ClinVar:

NM_001365951.3(KIF1B):c.2572A>G (p.Arg858Gly)

Gene: KIF1B (kinesin family member 1B; plus strand). Cytogenetic location: 1p36.22.
Variant type: single nucleotide variant.
Coding change: c.2572A>G on transcript NM_001365951.3 (MANE Select); coding-DNA position 2572, A replaced by G.
Protein change: p.Arg858Gly; replaces arginine 858 with glycine.
Molecular consequence: missense variant.
Genome position (GRCh38, 1-based): chr1:10,324,792, A>G. VCF-style: chr1-10324792-A-G. GRCh37 (hg19) VCF-style: chr1-10384850-A-G.
Other names: c.2572A>G, p.Arg858Gly (NM_001365952.1); c.2434A>G, p.Arg812Gly (NM_015074.3); short protein forms R812G, R858G.
Identifiers: ClinVar variation 1377376 (VCV001377376.10), dbSNP rs779626536, ClinGen allele CA581560.

ClinVar aggregate classification (germline): Conflicting classifications of pathogenicity. Review status: criteria provided, conflicting classifications (1 of 4 stars). 3 submissions from 3 submitters: Uncertain significance (2); Likely benign (1). Last evaluated 2025-08-17.

Conditions:
Charcot-Marie-Tooth disease type 2. Also called: Charcot-Marie-Tooth type 2. Identifiers: Orphanet 64746, MedGen C0270914, MONDO:0018993.

Allele frequency attached by ClinVar (database versions not stated): gnomAD 0.00001; TOPMed 0.00002; gnomAD exomes 0.00001 and 0.00006; ExAC 0.00004.
gnomAD v4.1: 19 of 1,614,010 alleles (0.0012%); highest among the groups gnomAD compares: Admixed American, 0.03%; no homozygotes.

Submissions (3):

Labcorp Genetics (formerly Invitae), Labcorp
Classification: Uncertain significance for Charcot-Marie-Tooth disease type 2. Last evaluated: 2025-08-17. Review status: criteria provided, single submitter. Criteria: Invitae Variant Classification Sherloc (09022015). Collection method: clinical testing. Allele origin: germline.
Comment: This sequence change replaces arginine, which is basic and polar, with glycine, which is neutral and non-polar, at codon 812 of the KIF1B protein (p.Arg812Gly). This variant is present in population databases (rs779626536, gnomAD 0.04%), and has an allele count higher than expected for a pathogenic variant. This variant has not been reported in the literature in individuals affected with KIF1B-related conditions. ClinVar contains an entry for this variant (Variation ID: 1377376). Invitae Evidence Modeling of protein sequence and biophysical properties (such as structural, functional, and spatial information, amino acid conservation, physicochemical variation, residue mobility, and thermodynamic stability) indicates that this missense variant is not expected to disrupt KIF1B protein function with a negative predictive value of 80%. In summary, the available evidence is currently insufficient to determine the role of this variant in disease. Therefore, it has been classified as a Variant of Uncertain Significance.

Women's Health and Genetics/Laboratory Corporation of America, LabCorp
Classification: Uncertain significance. Last evaluated: 2023-07-12. Review status: criteria provided, single submitter. Criteria: LabCorp Variant Classification Summary - May 2015. Collection method: clinical testing. Allele origin: germline.
Comment: Variant summary: KIF1B c.2434A>G (p.Arg812Gly) results in a non-conservative amino acid change in the encoded protein sequence. Three of five in-silico tools predict a damaging effect of the variant on protein function. The variant allele was found at a frequency of 6e-05 in 251466 control chromosomes (gnomAD). To our knowledge, no occurrence of c.2434A>G in individuals affected with KIF1B-Related Disorders and no experimental evidence demonstrating its impact on protein function have been reported. Two submitters have cited clinical-significance assessments for this variant to ClinVar after 2014. One submitter classified the variant as likely benign, and one submitter classified the variant as uncertain significance. Based on the evidence outlined above, the variant was classified as uncertain significance.

Ambry Genetics
Classification: Likely benign. Last evaluated: 2020-11-13. Review status: criteria provided, single submitter. Criteria: Ambry Variant Classification Scheme 2023. Collection method: clinical testing. Allele origin: germline.